The following is an entry in ClinVar:

ClinVar aggregate classification (germline): Uncertain significance (1 of 4 stars; one submission).

Conditions:
Symmetrical dyschromatosis of extremities (DSH). Also called: DYSCHROMATOSIS SYMMETRICA HEREDITARIA 1; Dyschromatosis symmetrica hereditaria; RETICULATE ACROPIGMENTATION OF DOHI; SYMMETRIC DYSCHROMATOSIS OF THE EXTREMITIES. Identifiers: Orphanet 41, MedGen C0406775, MONDO:0007483, OMIM 127400.
Aicardi-Goutieres syndrome 6 (AGS6). Identifiers: Orphanet 51, MedGen C3539013, MONDO:0014007, OMIM 615010.

Allele frequency attached by ClinVar (database versions not stated): TOPMed 0.00001; gnomAD exomes 0.00002.
gnomAD v4.1: 5 of 1,609,370 alleles (0.00031%); highest among the groups gnomAD compares: Admixed American, 0.005%; no homozygotes.

Submission:

Labcorp Genetics (formerly Invitae), Labcorp
Classification: Uncertain significance for Aicardi-Goutieres syndrome 6; Symmetrical dyschromatosis of extremities. Last evaluated: 2026-01-04. Review status: criteria provided, single submitter. Criteria: Invitae Variant Classification Sherloc (09022015). Collection method: clinical testing. Allele origin: germline.
Comment: This sequence change replaces proline, which is neutral and non-polar, with alanine, which is neutral and non-polar, at codon 73 of the ADAR protein (p.Pro73Ala). This variant is present in population databases (no rsID available, gnomAD 0.006%). This variant has not been reported in the literature in individuals affected with ADAR-related conditions. ClinVar contains an entry for this variant (Variation ID: 843249). An algorithm developed to predict the effect of missense changes on protein structure and function (PolyPhen-2) suggests that this variant is likely to be disruptive. In summary, the available evidence is currently insufficient to determine the role of this variant in disease. Therefore, it has been classified as a Variant of Uncertain Significance.

NM_001111.5(ADAR):c.217C>G (p.Pro73Ala)

Gene: ADAR (adenosine deaminase RNA specific; minus strand). Cytogenetic location: 1q21.3.
Variant type: single nucleotide variant.
Coding change: c.217C>G on transcript NM_001111.5 (MANE Select); coding-DNA position 217, C replaced by G.
Protein change: p.Pro73Ala; replaces proline 73 with alanine.
Molecular consequence: missense variant. On other transcripts: 5 prime UTR variant (6).
Genome position (GRCh38, 1-based): chr1:154,602,425, G>C on the plus strand (C>G on the coding strand, the complement: ADAR is on the minus strand). VCF-style: chr1-154602425-G-C. GRCh37 (hg19) VCF-style: chr1-154574901-G-C.
Other names: c.-669C>G (NM_001025107.3, NM_001193495.2, NM_001365048.1); c.244C>G, p.Pro82Ala (NM_001365045.1); c.-533C>G (NM_001365046.1, NM_001365047.1, NM_001365049.1); c.217C>G, p.Pro73Ala (NM_015840.4, NM_015841.4); short protein forms P82A, P73A.
Identifiers: ClinVar variation 843249 (VCV000843249.7), dbSNP rs894373560, ClinGen allele CA30810815.